The following is an entry in ClinVar:

ClinVar aggregate classification (germline): Uncertain significance (1 of 4 stars; one submission).

Allele frequency attached by ClinVar (database versions not stated): gnomAD exomes below 0.00001.
gnomAD v4.1: 4 of 1,606,648 alleles (0.00025%); highest among the groups gnomAD compares: Non-Finnish European, 0.00034%; no homozygotes.

Submission:

Labcorp Genetics (formerly Invitae), Labcorp
Classification: Uncertain significance. Last evaluated: 2020-06-24. Review status: criteria provided, single submitter. Criteria: Invitae Variant Classification Sherloc (09022015). Collection method: clinical testing. Allele origin: germline.
Comment: In summary, the available evidence is currently insufficient to determine the role of this variant in disease. Therefore, it has been classified as a Variant of Uncertain Significance. Algorithms developed to predict the effect of sequence changes on RNA splicing suggest that this variant may create or strengthen a splice site, but this prediction has not been confirmed by published transcriptional studies. This variant has not been reported in the literature in individuals with CABP4-related conditions. This variant is not present in population databases (ExAC no frequency). This sequence change affects codon 59 of the CABP4 mRNA. It is a 'silent' change, meaning that it does not change the encoded amino acid sequence of the CABP4 protein.

NM_145200.5(CABP4):c.177G>T (p.Gly59=)

Gene: CABP4 (calcium binding protein 4; plus strand). Cytogenetic location: 11q13.2.
Variant type: single nucleotide variant.
Coding change: c.177G>T on transcript NM_145200.5 (MANE Select); coding-DNA position 177, G replaced by T.
Protein change: p.Gly59=; no amino-acid change (glycine 59 retained).
Molecular consequence: synonymous variant. On other transcripts: 5 prime UTR variant (2), non-coding transcript variant (1), intron variant (1).
Genome position (GRCh38, 1-based): chr11:67,455,600, G>T. VCF-style: chr11-67455600-G-T. GRCh37 (hg19) VCF-style: chr11-67223071-G-T.
Other names: c.-207G>T (NM_001300895.3); c.-221G>T (NM_001379183.1); c.-112-109G>T (NM_001300896.3).
Identifiers: ClinVar variation 1052780 (VCV001052780.9), dbSNP rs2135172674, ClinGen allele CA475509266.